The following is an entry in ClinVar:

NM_015073.3(SIPA1L3):c.3255C>T (p.Ser1085=)

Gene: SIPA1L3 (signal induced proliferation associated 1 like 3; plus strand). Cytogenetic location: 19q13.13.
Variant type: single nucleotide variant.
Coding change: c.3255C>T on transcript NM_015073.3 (MANE Select); coding-DNA position 3255, C replaced by T.
Protein change: p.Ser1085=; no amino-acid change (serine 1085 retained).
Molecular consequence: synonymous variant.
Genome position (GRCh38, 1-based): chr19:38,141,295, C>T. VCF-style: chr19-38141295-C-T. GRCh37 (hg19) VCF-style: chr19-38631935-C-T.
Identifiers: ClinVar variation 3045608 (VCV003045608.2), dbSNP rs758200193, ClinGen allele CA9409935.

ClinVar aggregate classification (germline): Likely benign (0 of 4 stars; one submission).

Conditions:
SIPA1L3-related disorder. Also called: SIPA1L3-related condition.

Allele frequency attached by ClinVar (database versions not stated): ExAC 0.00002; gnomAD 0.00003; TOPMed 0.00005.
gnomAD v4.1: 100 of 1,613,814 alleles (0.0062%); highest among the groups gnomAD compares: Admixed American, 0.0083%; no homozygotes.

Submission:

PreventionGenetics, part of Exact Sciences
Classification: Likely benign for SIPA1L3-related condition. Last evaluated: 2019-04-08. Review status: no assertion criteria provided. Collection method: clinical testing. Allele origin: germline.
Comment: This variant is classified as likely benign based on ACMG/AMP sequence variant interpretation guidelines (Richards et al. 2015 PMID: 25741868, with internal and published modifications).